The following is an entry in ClinVar:

NM_001655.5(ARCN1):c.1002T>C (p.Asp334=)

Gene: ARCN1 (archain 1 coat protein complex I subunit delta; plus strand). Cytogenetic location: 11q23.3.
Variant type: single nucleotide variant.
Coding change: c.1002T>C on transcript NM_001655.5 (MANE Select); coding-DNA position 1002, T replaced by C.
Protein change: p.Asp334=; no amino-acid change (aspartic acid 334 retained).
Molecular consequence: synonymous variant.
Genome position (GRCh38, 1-based): chr11:118,592,726, T>C. VCF-style: chr11-118592726-T-C. GRCh37 (hg19) VCF-style: chr11-118463441-T-C.
Other names: c.738T>C, p.Asp246= (NM_001142281.2, NM_001425081.1); c.1002T>C, p.Asp334= (NM_001425073.1, NM_001425078.1); c.999T>C, p.Asp333= (NM_001425074.1, NM_001425079.1); c.945T>C, p.Asp315= (NM_001425075.1); c.933T>C, p.Asp311= (NM_001425076.1); c.837T>C, p.Asp279= (NM_001425077.1); c.558T>C, p.Asp186= (NM_001425080.1).
Identifiers: ClinVar variation 2957894 (VCV002957894.8), dbSNP rs1555076501, ClinGen allele CA477097999.

ClinVar aggregate classification (germline): Likely benign. Review status: criteria provided, multiple submitters, no conflicts (2 of 4 stars). 3 submissions from 3 submitters: Likely benign (3). Last evaluated 2026-02-01.

Allele frequency attached by ClinVar (database versions not stated): gnomAD exomes below 0.00001; gnomAD 0.00001.
gnomAD v4.1: 3 of 1,613,838 alleles (0.00019%); highest among the groups gnomAD compares: Admixed American, 0.005%; no homozygotes.

Submissions (3):

CeGaT Center for Human Genetics Tuebingen
Classification: Likely benign. Last evaluated: 2026-02-01. Review status: criteria provided, single submitter. Criteria: CeGaT Center For Human Genetics Tuebingen Variant Classification Criteria Version 2. Collection method: clinical testing. Allele origin: germline. Affected: yes. Observed: 1 variant allele.
Comment: ARCN1: BP4, BP7

Women's Health and Genetics/Laboratory Corporation of America, LabCorp
Classification: Likely benign. Last evaluated: 2025-06-06. Review status: criteria provided, single submitter. Criteria: LabCorp Variant Classification Summary - May 2015. Collection method: clinical testing. Allele origin: germline.

Labcorp Genetics (formerly Invitae), Labcorp
Classification: Likely benign. Last evaluated: 2023-01-22. Review status: criteria provided, single submitter. Criteria: Invitae Variant Classification Sherloc (09022015). Collection method: clinical testing. Allele origin: germline.